The following is an entry in ClinVar:

ClinVar aggregate classification (germline): Uncertain significance (1 of 4 stars; one submission).

Conditions:
Encephalopathy, acute, infection-induced (herpes-specific), susceptibility to, 1. Also called: Herpes simplex encephalitis, susceptibility to, 1. Identifiers: Orphanet 1930, MedGen C2750180, MONDO:0024563, OMIM 610551.

Allele frequency attached by ClinVar (database versions not stated): gnomAD 0.00001; TOPMed below 0.00001; gnomAD exomes below 0.00001.
gnomAD v4.1: 7 of 1,547,778 alleles (0.00045%); highest among the groups gnomAD compares: Non-Finnish European, 0.00052%; no homozygotes.

Submission:

Labcorp Genetics (formerly Invitae), Labcorp
Classification: Uncertain significance for Encephalopathy, acute, infection-induced (herpes-specific), susceptibility to, 1. Last evaluated: 2021-11-05. Review status: criteria provided, single submitter. Criteria: Invitae Variant Classification Sherloc (09022015). Collection method: clinical testing. Allele origin: germline.
Comment: This sequence change replaces alanine, which is neutral and non-polar, with threonine, which is neutral and polar, at codon 362 of the UNC93B1 protein (p.Ala362Thr). This variant is present in population databases (no rsID available, gnomAD 0.001%). This variant has not been reported in the literature in individuals affected with UNC93B1-related conditions. Experimental studies and prediction algorithms are not available or were not evaluated, and the functional significance of this variant is currently unknown. In summary, the available evidence is currently insufficient to determine the role of this variant in disease. Therefore, it has been classified as a Variant of Uncertain Significance.

NM_030930.4(UNC93B1):c.1084G>A (p.Ala362Thr)

Gene: UNC93B1 (unc-93B1 regulator of TLR signaling; minus strand). Cytogenetic location: 11q13.2.
Variant type: single nucleotide variant.
Coding change: c.1084G>A on transcript NM_030930.4 (MANE Select); coding-DNA position 1084, G replaced by A.
Protein change: p.Ala362Thr; replaces alanine 362 with threonine.
Molecular consequence: missense variant.
Genome position (GRCh38, 1-based): chr11:67,996,607, C>T on the plus strand (G>A on the coding strand, the complement: UNC93B1 is on the minus strand). VCF-style: chr11-67996607-C-T. GRCh37 (hg19) VCF-style: chr11-67764078-C-T.
Other names: short protein forms A362T.
Identifiers: ClinVar variation 1477702 (VCV001477702.6), dbSNP rs1429067086, ClinGen allele CA381572067.